The following is an entry in ClinVar:

NM_005514.8(HLA-B):c.397C>T (p.Leu133Phe)

Gene: HLA-B (major histocompatibility complex, class I, B; minus strand). Cytogenetic location: 6p21.33.
Variant type: single nucleotide variant.
Coding change: c.397C>T on transcript NM_005514.8 (MANE Select); coding-DNA position 397, C replaced by T.
Protein change: p.Leu133Phe; replaces leucine 133 with phenylalanine.
Molecular consequence: missense variant.
Genome position (GRCh38, 1-based): chr6:31,356,389, G>A on the plus strand (C>T on the coding strand, the complement: HLA-B is on the minus strand). VCF-style: chr6-31356389-G-A. GRCh37 (hg19) VCF-style: chr6-31324166-G-A.
Other names: short protein forms L133F.
Identifiers: ClinVar variation 2656393 (VCV002656393.24), dbSNP rs41558819, ClinGen allele CA3711605.

ClinVar aggregate classification (germline): Benign (1 of 4 stars; one submission).

Allele frequency attached by ClinVar (database versions not stated): gnomAD 0.00011; gnomAD exomes 0.00096; ESP Exome Variant Server 0.00407; 1000 Genomes Project 30x 0.00578; 1000 Genomes Project 0.00639; ExAC 0.00740.

Submission:

CeGaT Center for Human Genetics Tuebingen
Classification: Benign. Last evaluated: 2024-07-01. Review status: criteria provided, single submitter. Criteria: CeGaT Center For Human Genetics Tuebingen Variant Classification Criteria Version 2. Collection method: clinical testing. Allele origin: germline. Affected: yes. Observed: 5 variant alleles.
Comment: HLA-B: BP4, BS1, BS2